The following is an entry in ClinVar:

ClinVar aggregate classification (germline): Pathogenic/Likely pathogenic. Review status: criteria provided, multiple submitters, no conflicts (2 of 4 stars). 3 submissions from 3 submitters: Pathogenic (1); Likely pathogenic (2). Last evaluated 2025-07-03.

Conditions:
EMC1-related disorder. Also called: EMC1-related condition.
Cerebellar atrophy, visual impairment, and psychomotor retardation;. Also called: Cerebellar atrophy, visual impairment, and psychomotor retardation. Identifiers: MedGen C4225172, MONDO:0014811, OMIM 616875.

Submissions (3):

Labcorp Genetics (formerly Invitae), Labcorp
Classification: Pathogenic. Last evaluated: 2025-07-03. Review status: criteria provided, single submitter. Criteria: Invitae Variant Classification Sherloc (09022015). Collection method: clinical testing. Allele origin: germline.
Comment: This sequence change creates a premature translational stop signal (p.Glu892Glyfs*21) in the EMC1 gene. It is expected to result in an absent or disrupted protein product. Loss-of-function variants in EMC1 are known to be pathogenic (PMID: 26572623, 26942288, 29271071). This variant is present in population databases (rs778017096, gnomAD 0.006%). This variant has not been reported in the literature in individuals affected with EMC1-related conditions. For these reasons, this variant has been classified as Pathogenic.

Variantyx, Inc.
Classification: Likely pathogenic for Cerebellar atrophy, visual impairment, and psychomotor retardation;. Last evaluated: 2025-03-27. Review status: criteria provided, single submitter. Criteria: Variantyx Assertion Criteria 2022. Collection method: clinical testing. Allele origin: germline. Inheritance: Autosomal recessive inheritance.
Comment: This is a frameshift variant in the EMC1 gene (OMIM: 616846). Pathogenic variants in this gene have been associated with autosomal recessive cerebellar atrophy, visual impairment, and psychomotor delay. This variant introduces a premature termination codon in exon 22 out of 23 and is expected to result in loss of function, which is a known disease mechanism for EMC1 in this disorder (PMID: 26942288, 29271071) (PVS1). This variant has a 0.0025% maximum allele frequency in non-founder control populations (PM2). Based on the current evidence, this variant is classified as likely pathogenic for autosomal recessive cerebellar atrophy, visual impairment, and psychomotor delay.

Blueprint Genetics
Classification: Likely pathogenic for EMC1-related disorders. Last evaluated: 2021-09-26. Review status: criteria provided, single submitter. Criteria: ACMG Guidelines, 2015. Collection method: clinical testing. Allele origin: germline. Affected: yes. Observed: 1 variant allele.

Literature cited by the submitters: PubMed 26572623 (cited by Labcorp Genetics (formerly Invitae), Labcorp); PubMed 26942288 (cited by Labcorp Genetics (formerly Invitae), Labcorp and Variantyx, Inc.); PubMed 29271071 (cited by Labcorp Genetics (formerly Invitae), Labcorp and Variantyx, Inc.).

NM_015047.3(EMC1):c.2675_2676del

Genes: EMC1 (ER membrane protein complex subunit 1; minus strand), EMC1-AS1 (EMC1 antisense RNA 1; plus strand). Cytogenetic location: 1p36.13.
Variant type: Microsatellite.
Coding change: c.2675_2676del on transcript NM_015047.3 (MANE Select); coding-DNA positions 2675 to 2676, 2 bases deleted (AG; older notation c.2675_2676delAG).
Genome position (GRCh38, 1-based): chr1:19,219,695-19,219,696, CT deleted on the plus strand (AG on the coding strand, the reverse complement: EMC1 is on the minus strand); deleting any 2 consecutive bases within chr1:19,219,695-19,219,700 gives the same sequence; the c. name uses the placement nearest the transcript's 3' end. VCF-style (leftmost placement, unchanged base first): chr1-19219694-CCT-C. GRCh37 (hg19) VCF-style: chr1-19546188-CCT-C.
Identifiers: ClinVar variation 1360583 (VCV001360583.8), dbSNP rs778017096, ClinGen allele CA652175.
Genomic context (GRCh38, chr1:19,219,694, plus strand): 5'-TATAGTTGATGAATCGCTCTGCGTGTATCTGTACATCTGGAGAATACGGGATTAAGTTCT[CCT>C]CTCTGCAAAACACCAGCCGGGACAGGCAGTCTGAGCACTGCTGTAAAGGGATCTCTTGGC-3'